The following is an entry in ClinVar:

ClinVar aggregate classification (germline): Uncertain significance (1 of 4 stars; one submission).

Conditions:
Facioscapulohumeral muscular dystrophy 2 (FSHD2). Also called: MUSCULAR DYSTROPHY, FACIOSCAPULOHUMERAL, TYPE 1B; FACIOSCAPULOHUMERAL MUSCULAR DYSTROPHY 2, DIGENIC; FSHD2, DIGENIC. Identifiers: Orphanet 269, MedGen C1834671, MONDO:0008031, OMIM 158901.

gnomAD v4.1: 9 of 1,471,792 alleles (0.00061%); highest among the groups gnomAD compares: Non-Finnish European, 0.00085%; no homozygotes.

Submission:

Labcorp Genetics (formerly Invitae), Labcorp
Classification: Uncertain significance for Facioscapulohumeral muscular dystrophy 2. Last evaluated: 2021-11-23. Review status: criteria provided, single submitter. Criteria: Invitae Variant Classification Sherloc (09022015). Collection method: clinical testing. Allele origin: germline.
Comment: This sequence change replaces leucine, which is neutral and non-polar, with phenylalanine, which is neutral and non-polar, at codon 64 of the SMCHD1 protein (p.Leu64Phe). This variant is not present in population databases (gnomAD no frequency). This variant has not been reported in the literature in individuals affected with SMCHD1-related conditions. Algorithms developed to predict the effect of missense changes on protein structure and function (SIFT, PolyPhen-2, Align-GVGD) all suggest that this variant is likely to be tolerated. In summary, the available evidence is currently insufficient to determine the role of this variant in disease. Therefore, it has been classified as a Variant of Uncertain Significance.

NM_015295.3(SMCHD1):c.190C>T (p.Leu64Phe)

Gene: SMCHD1 (structural maintenance of chromosomes flexible hinge domain containing 1; plus strand). Cytogenetic location: 18p11.32.
Variant type: single nucleotide variant.
Coding change: c.190C>T on transcript NM_015295.3 (MANE Select); coding-DNA position 190, C replaced by T.
Protein change: p.Leu64Phe; replaces leucine 64 with phenylalanine.
Molecular consequence: missense variant.
Genome position (GRCh38, 1-based): chr18:2,666,160, C>T. VCF-style: chr18-2666160-C-T. GRCh37 (hg19) VCF-style: chr18-2666159-C-T.
Other names: short protein forms L64F.
Identifiers: ClinVar variation 1446348 (VCV001446348.6), dbSNP rs969088652, ClinGen allele CA295459765.
Genomic context (GRCh38, chr18:2,666,160, plus strand): 5'-GAATAATACATTTATTTCCTTTGTGTAATAAGTGATTTTATTTCTTATTTTGGATAGACA[C>T]TTGGCATTTCACCTGAAGAAAAATTTGTTATTACAACAACAAGTAGGAAAGAAATTACCT-3'
Protein context (NP_056110.2, residues 54-74): AGFRACVCQT[Leu64Phe]GISPEEKFVI